The following is an entry in ClinVar:

NM_016938.5(EFEMP2):c.293C>A (p.Pro98Gln)

Gene: EFEMP2 (EGF containing fibulin extracellular matrix protein 2; minus strand). Cytogenetic location: 11q13.1.
Variant type: single nucleotide variant.
Coding change: c.293C>A on transcript NM_016938.5 (MANE Select); coding-DNA position 293, C replaced by A.
Protein change: p.Pro98Gln; replaces proline 98 with glutamine.
Molecular consequence: missense variant. On other transcripts: non-coding transcript variant (1).
Genome position (GRCh38, 1-based): chr11:65,871,231, G>T on the plus strand (C>A on the coding strand, the complement: EFEMP2 is on the minus strand). VCF-style: chr11-65871231-G-T. GRCh37 (hg19) VCF-style: chr11-65638702-G-T.
Other names: short protein forms P98Q.
Identifiers: ClinVar variation 3843635 (VCV003843635.1).

ClinVar aggregate classification (germline): Uncertain significance (1 of 4 stars; one submission).

Conditions:
Cardiovascular phenotype. Identifiers: MedGen CN230736.

gnomAD v4.1: 2 of 1,613,966 alleles (0.00012%); highest among the groups gnomAD compares: African/African-American, 0.0027%; no homozygotes.

Submission:

Ambry Genetics
Classification: Uncertain significance for Cardiovascular phenotype. Last evaluated: 2025-01-21. Review status: criteria provided, single submitter. Criteria: Ambry Variant Classification Scheme 2023. Collection method: clinical testing. Allele origin: germline.
Comment: The p.P98Q variant (also known as c.293C>A), located in coding exon 3 of the EFEMP2 gene, results from a C to A substitution at nucleotide position 293. The proline at codon 98 is replaced by glutamine, an amino acid with similar properties. This amino acid position is conserved. In addition, the in silico prediction for this alteration is inconclusive. Based on the available evidence, the clinical significance of this variant remains unclear.